The following is an entry in ClinVar:

NM_001852.4(COL9A2):c.433G>C (p.Asp145His)

Gene: COL9A2 (collagen type IX alpha 2 chain; minus strand). Cytogenetic location: 1p34.2.
Variant type: single nucleotide variant.
Coding change: c.433G>C on transcript NM_001852.4 (MANE Select); coding-DNA position 433, G replaced by C.
Protein change: p.Asp145His; replaces aspartic acid 145 with histidine.
Molecular consequence: missense variant.
Genome position (GRCh38, 1-based): chr1:40,311,700, C>G on the plus strand (G>C on the coding strand, the complement: COL9A2 is on the minus strand). VCF-style: chr1-40311700-C-G. GRCh37 (hg19) VCF-style: chr1-40777372-C-G.
Other names: short protein forms D145H.
Identifiers: ClinVar variation 2256778 (VCV002256778.5), dbSNP rs2522554470, ClinGen allele CA339856264.

ClinVar aggregate classification (germline): Uncertain significance. Review status: criteria provided, multiple submitters, no conflicts (2 of 4 stars). 2 submissions from 2 submitters: Uncertain significance (2). Last evaluated 2024-01-05.

Conditions:
Inborn genetic diseases. Identifiers: MedGen C0950123, MeSH D030342.

Allele frequency attached by ClinVar (database versions not stated): gnomAD exomes below 0.00001.
gnomAD v4.1: 1 of 1,614,034 alleles (0.000062%); highest among the groups gnomAD compares: Non-Finnish European, 0.000085%; no homozygotes.

Submissions (2):

Labcorp Genetics (formerly Invitae), Labcorp
Classification: Uncertain significance. Last evaluated: 2024-01-05. Review status: criteria provided, single submitter. Criteria: Invitae Variant Classification Sherloc (09022015). Collection method: clinical testing. Allele origin: germline.
Comment: This sequence change replaces aspartic acid, which is acidic and polar, with histidine, which is basic and polar, at codon 145 of the COL9A2 protein (p.Asp145His). This variant is not present in population databases (gnomAD no frequency). This variant has not been reported in the literature in individuals affected with COL9A2-related conditions. ClinVar contains an entry for this variant (Variation ID: 2256778). Advanced modeling of protein sequence and biophysical properties (such as structural, functional, and spatial information, amino acid conservation, physicochemical variation, residue mobility, and thermodynamic stability) performed at Invitae indicates that this missense variant is not expected to disrupt COL9A2 protein function with a negative predictive value of 95%. In summary, the available evidence is currently insufficient to determine the role of this variant in disease. Therefore, it has been classified as a Variant of Uncertain Significance.

Ambry Genetics
Classification: Uncertain significance for Inborn genetic diseases. Last evaluated: 2021-10-26. Review status: criteria provided, single submitter. Criteria: Ambry Variant Classification Scheme 2023. Collection method: clinical testing. Allele origin: germline.